The following is an entry in ClinVar:

NM_152564.5(VPS13B):c.6905A>G (p.Tyr2302Cys)

Gene: VPS13B (vacuolar protein sorting 13 homolog B; plus strand). Cytogenetic location: 8q22.2.
Variant type: single nucleotide variant.
Coding change: c.6905A>G on transcript NM_152564.5 (MANE Select); coding-DNA position 6905, A replaced by G.
Protein change: p.Tyr2302Cys; replaces tyrosine 2302 with cysteine.
Molecular consequence: missense variant.
Genome position (GRCh38, 1-based): chr8:99,720,902, A>G. VCF-style: chr8-99720902-A-G. GRCh37 (hg19) VCF-style: chr8-100733130-A-G.
Other names: c.6905A>G (NM_152564.4); c.6980A>G, p.Tyr2327Cys (NM_017890.5); short protein forms Y2327C, Y2302C.
Identifiers: ClinVar variation 967936 (VCV000967936.7), dbSNP rs1833105159, ClinGen allele CA371868288.
Genomic context (GRCh38, chr8:99,720,902, plus strand): 5'-AATTATACTTTTATTTGACAGAATCTTTGAAATTGCCTGGGGTCTATGAAGTCTTATTTT[A>G]TAATGAAACTGAAGATTGCCCAGGGATGATGTTATGGAGATATCCAGAACCTAGAGTACT-3'
Protein context (NP_689777.3, residues 2292-2312): KLPGVYEVLF[Tyr2302Cys]NETEDCPGMM

ClinVar aggregate classification (germline): Uncertain significance. Review status: criteria provided, single submitter (1 of 4 stars). 2 submissions from 2 submitters: Uncertain significance (1). 1 of the submissions does not count toward it. Last evaluated 2022-07-11.

Conditions:
VPS13B-related disorder. Also called: VPS13B-related condition.
Cohen syndrome (COH1). Also called: Cutis verticis gyrata, retinitis pigmentosa, and sensorineural deafness; PEPPER SYNDROME. Identifiers: Orphanet 193, MedGen C0265223, MONDO:0008999, OMIM 216550.

gnomAD v4.1: 4 of 1,613,968 alleles (0.00025%); highest among the groups gnomAD compares: African/African-American, 0.0013%; no homozygotes.

Submissions (2):

Labcorp Genetics (formerly Invitae), Labcorp
Classification: Uncertain significance for Cohen syndrome. Last evaluated: 2022-07-11. Review status: criteria provided, single submitter. Criteria: Invitae Variant Classification Sherloc (09022015). Collection method: clinical testing. Allele origin: germline.
Comment: This variant is not present in population databases (gnomAD no frequency). This sequence change replaces tyrosine, which is neutral and polar, with cysteine, which is neutral and slightly polar, at codon 2327 of the VPS13B protein (p.Tyr2327Cys). This variant has not been reported in the literature in individuals affected with VPS13B-related conditions. In summary, the available evidence is currently insufficient to determine the role of this variant in disease. Therefore, it has been classified as a Variant of Uncertain Significance. Algorithms developed to predict the effect of missense changes on protein structure and function output the following: SIFT: "Not Available"; PolyPhen-2: "Benign"; Align-GVGD: "Not Available". The cysteine amino acid residue is found in multiple mammalian species, which suggests that this missense change does not adversely affect protein function. ClinVar contains an entry for this variant (Variation ID: 967936).

PreventionGenetics, part of Exact Sciences
Classification: Uncertain significance for VPS13B-related condition. Last evaluated: 2024-02-21. Review status: no assertion criteria provided. Collection method: clinical testing. Allele origin: germline. Not counted in ClinVar's aggregate classification.
Comment: The VPS13B c.6905A>G variant is predicted to result in the amino acid substitution p.Tyr2302Cys. To our knowledge, this variant has not been reported in the literature or in a large population database, indicating this variant is rare. At this time, the clinical significance of this variant is uncertain due to the absence of conclusive functional and genetic evidence.